The following is an entry in ClinVar:

ClinVar aggregate classification (germline): Pathogenic (1 of 4 stars; one submission).

Submission:

Labcorp Genetics (formerly Invitae), Labcorp
Classification: Pathogenic. Last evaluated: 2024-01-29. Review status: criteria provided, single submitter. Criteria: Invitae Variant Classification Sherloc (09022015). Collection method: clinical testing. Allele origin: germline.
Comment: This sequence change creates a premature translational stop signal (p.Arg345Lysfs*3) in the CWC27 gene. It is expected to result in an absent or disrupted protein product. Loss-of-function variants in CWC27 are known to be pathogenic (PMID: 28285769). This variant is not present in population databases (gnomAD no frequency). This variant has not been reported in the literature in individuals affected with CWC27-related conditions. ClinVar contains an entry for this variant (Variation ID: 1074824). For these reasons, this variant has been classified as Pathogenic.

Literature cited by the submitters: PubMed 28285769.

NM_005869.4(CWC27):c.1033dup (p.Arg345fs)

Gene: CWC27 (CWC27 spliceosome associated cyclophilin; plus strand). Cytogenetic location: 5q12.3.
Variant type: Duplication.
Coding change: c.1033dup on transcript NM_005869.4 (MANE Select); coding-DNA position 1033, one base duplicated (A; older notation c.1033dupA).
Protein change: p.Arg345fs; shifts the reading frame from arginine 345.
Molecular consequence: frameshift variant.
Genome position (GRCh38, 1-based): chr5:64,885,537, A duplicated; the last of 6 consecutive A bases (chr5:64,885,532-64,885,537); duplicating any one gives the same sequence. VCF-style (leftmost placement, unchanged base first): chr5-64885531-G-GA. GRCh37 (hg19) VCF-style: chr5-64181358-G-GA.
Other names: c.1033dup, p.Arg345fs (NM_001297644.1, NM_001364478.1); short protein forms R345fs.
Identifiers: ClinVar variation 1074824 (VCV001074824.7), dbSNP rs1259976736, ClinGen allele CA813110535.